The following is an entry in ClinVar:

NM_002890.3(RASA1):c.1577_1578del (p.Ser526fs)

Genes: CCNH (cyclin H; minus strand), RASA1 (RAS p21 protein activator 1; plus strand). Cytogenetic location: 5q14.3.
Variant type: Deletion.
Coding change: c.1577_1578del on transcript NM_002890.3 (MANE Select); coding-DNA positions 1577 to 1578, 2 bases deleted (CT; older notation c.1577_1578delCT).
Protein change: p.Ser526fs; shifts the reading frame from serine 526.
Molecular consequence: frameshift variant. On other transcripts: intron variant (1).
Genome position (GRCh38, 1-based): chr5:87,363,471-87,363,472, CT deleted; deleting any 2 consecutive bases within chr5:87,363,470-87,363,472 gives the same sequence; the c. name uses the placement nearest the transcript's 3' end. VCF-style (leftmost placement, unchanged base first): chr5-87363469-TTC-T. GRCh37 (hg19) VCF-style: chr5-86659286-TTC-T.
Other names: c.1046_1047del, p.Ser349fs (NM_022650.3); c.933+31573_933+31574del (NM_001364075.2); short protein forms S349fs, S526fs.
Identifiers: ClinVar variation 4279907 (VCV004279907.1).

ClinVar aggregate classification (germline): Likely pathogenic (1 of 4 stars; one submission).

Conditions:
Capillary malformation-arteriovenous malformation 1 (CMAVM1). Identifiers: Orphanet 137667, Orphanet 693907, MedGen C4747394, MONDO:0020783, OMIM 608354.

Submission:

Clinical Genomics Laboratory, Washington University in St. Louis
Classification: Likely pathogenic for Capillary malformation-arteriovenous malformation 1. Last evaluated: 2025-08-26. Review status: criteria provided, single submitter. Criteria: ACMG Guidelines, 2015. Collection method: clinical testing. Allele origin: germline. Affected: yes.
Comment: A RASA1 c.1577_1578del (p.Ser526Cysfs*6) variant was identified at a near heterozygous allelic fraction of 43.4%, a frequency which may be consistent with it being of germline origin. This variant causes a frameshift by deleting two nucleotides in exon 11, leading to a premature termination codon, which is predicted to lead to nonsense mediated decay. This variant, to our knowledge, has not been reported in the medical literature, however, similar frameshift and truncating variants in exon 11 have been identified in individuals with CM-AVM syndrome (Revencu N et al., PMID: 24038909; Wooderchak-Donahue W et al., PMID: 29891884). This variant is absent from the general population (gnomAD v4.1.0), indicating it is not a common variant. Based on available information and the ACMG/AMP guidelines for variant interpretation (Richards S et al., PMID: 25741868), this variant is classified as likely pathogenic.